The following is an entry in ClinVar:

NM_199420.4(POLQ):c.7672G>C (p.Val2558Leu)

Gene: POLQ (DNA polymerase theta; minus strand). Cytogenetic location: 3q13.33.
Variant type: single nucleotide variant.
Coding change: c.7672G>C on transcript NM_199420.4 (MANE Select); coding-DNA position 7672, G replaced by C.
Protein change: p.Val2558Leu; replaces valine 2558 with leucine.
Molecular consequence: missense variant.
Genome position (GRCh38, 1-based): chr3:121,432,405, C>G on the plus strand (G>C on the coding strand, the complement: POLQ is on the minus strand). VCF-style: chr3-121432405-C-G. GRCh37 (hg19) VCF-style: chr3-121151252-C-G.
Other names: short protein forms V2558L.
Identifiers: ClinVar variation 1760081 (VCV001760081.2), dbSNP rs995367527, ClinGen allele CA354093252.

ClinVar aggregate classification (germline): Uncertain significance (1 of 4 stars; one submission).

Submission:

Ambry Genetics
Classification: Uncertain significance. Last evaluated: 2022-04-19. Review status: criteria provided, single submitter. Criteria: Ambry Variant Classification Scheme 2023. Collection method: clinical testing. Allele origin: germline.
Comment: The p.V2558L variant (also known as c.7672G>C), located in coding exon 30 of the POLQ gene, results from a G to C substitution at nucleotide position 7672. The valine at codon 2558 is replaced by leucine, an amino acid with highly similar properties. This amino acid position is conserved. In addition, the in silico prediction for this alteration is inconclusive. Since supporting evidence is limited at this time, the clinical significance of this alteration remains unclear.